The following is an entry in ClinVar:

ClinVar aggregate classification (germline): Uncertain significance. Review status: criteria provided, multiple submitters, no conflicts (2 of 4 stars). 2 submissions from 2 submitters: Uncertain significance (2). Last evaluated 2024-10-02.

Conditions:
Hereditary cancer-predisposing syndrome. Also called: Hereditary Cancer Syndrome; Neoplastic Syndromes, Hereditary; Tumor predisposition; Hereditary neoplastic syndrome. Identifiers: Orphanet 140162, MedGen C0027672, MeSH D009386, MONDO:0015356.
Retinoblastoma (RB1). Also called: RETINOBLASTOMA, SOMATIC. Identifiers: Orphanet 790, MedGen C0035335, MeSH D012175, MONDO:0008380, OMIM 180200, HP:0009919. Disease mechanism: loss of function. Inheritance: Both sporadic and heritable forms are tested..

Submissions (2):

Labcorp Genetics (formerly Invitae), Labcorp
Classification: Uncertain significance for Retinoblastoma. Last evaluated: 2024-10-02. Review status: criteria provided, single submitter. Criteria: Invitae Variant Classification Sherloc (09022015). Collection method: clinical testing. Allele origin: germline.
Comment: This sequence change replaces proline, which is neutral and non-polar, with serine, which is neutral and polar, at codon 789 of the RB1 protein (p.Pro789Ser). This variant is not present in population databases (gnomAD no frequency). This variant has not been reported in the literature in individuals affected with RB1-related conditions. ClinVar contains an entry for this variant (Variation ID: 1021709). Invitae Evidence Modeling of protein sequence and biophysical properties (such as structural, functional, and spatial information, amino acid conservation, physicochemical variation, residue mobility, and thermodynamic stability) has been performed for this missense variant. However, the output from this modeling did not meet the statistical confidence thresholds required to predict the impact of this variant on RB1 protein function. In summary, the available evidence is currently insufficient to determine the role of this variant in disease. Therefore, it has been classified as a Variant of Uncertain Significance.

Ambry Genetics
Classification: Uncertain significance for Hereditary cancer-predisposing syndrome. Last evaluated: 2022-11-15. Review status: criteria provided, single submitter. Criteria: Ambry Variant Classification Scheme 2023. Collection method: clinical testing. Allele origin: germline.
Comment: The p.P789S variant (also known as c.2365C>T), located in coding exon 23 of the RB1 gene, results from a C to T substitution at nucleotide position 2365. The proline at codon 789 is replaced by serine, an amino acid with similar properties. This amino acid position is conserved. In addition, the in silico prediction for this alteration is inconclusive. Since supporting evidence is limited at this time, the clinical significance of this alteration remains unclear.

NM_000321.3(RB1):c.2365C>T (p.Pro789Ser)

Gene: RB1 (RB transcriptional corepressor 1; plus strand). Cytogenetic location: 13q14.2.
Variant type: single nucleotide variant.
Coding change: c.2365C>T on transcript NM_000321.3 (MANE Select); coding-DNA position 2365, C replaced by T.
Protein change: p.Pro789Ser; replaces proline 789 with serine.
Molecular consequence: missense variant.
Genome position (GRCh38, 1-based): chr13:48,465,244, C>T. VCF-style: chr13-48465244-C-T. GRCh37 (hg19) VCF-style: chr13-49039380-C-T.
Other names: c.2365C>T (NM_000321.2); short protein forms P789S.
Identifiers: ClinVar variation 1021709 (VCV001021709.10), dbSNP rs1949432512, ClinGen allele CA388167828.
Genomic context (GRCh38, chr13:48,465,244, plus strand): 5'-ACTTTTTTGTTTTTGCTCTAGCCCCCTACCTTGTCACCAATACCTCACATTCCTCGAAGC[C>T]CTTACAAGTTTCCTAGTTCACCCTTACGGATTCCTGGAGGGAACATCTATATTTCACCCC-3'
Protein context (NP_000312.2, residues 779-799): LSPIPHIPRS[Pro789Ser]YKFPSSPLRI